The following is an entry in ClinVar:

NM_198060.4(NRAP):c.3604-2A>C

Gene: NRAP (nebulin related anchoring protein; minus strand). Cytogenetic location: 10q25.3.
Variant type: single nucleotide variant.
Coding change: c.3604-2A>C on transcript NM_198060.4 (MANE Select); the canonical splice acceptor site of the intron before coding-DNA position 3604, A replaced by C.
Molecular consequence: splice acceptor variant.
Genome position (GRCh38, 1-based): chr10:113,608,514, T>G on the plus strand (A>C on the coding strand, the complement: NRAP is on the minus strand). VCF-style: chr10-113608514-T-G. GRCh37 (hg19) VCF-style: chr10-115368273-T-G.
Other names: c.3499-2A>C (NM_006175.5); c.3496-2A>C (NM_001322945.2); c.3604-2A>C (NM_001261463.2).
Identifiers: ClinVar variation 2080715 (VCV002080715.1), dbSNP rs369763684, ClinGen allele CA5694723.
Genomic context (GRCh38, chr10:113,608,514, plus strand): 5'-TTGGGAGTGTCTGTCACAGCTGTGTACTTGAATGAGTGGGGATGCTGCCGATATTTACTC[T>G]GAATTCACACACAAGAAGGGAAGAAGACGACTCCGTAAGGGATAAAAACCAGAAGCAGAA-3'

ClinVar aggregate classification (germline): Likely pathogenic (1 of 4 stars; one submission).

gnomAD v4.1: 4 of 1,597,316 alleles (0.00025%); highest among the groups gnomAD compares: Admixed American, 0.0017%; no homozygotes.

Submission:

Labcorp Genetics (formerly Invitae), Labcorp
Classification: Likely pathogenic. Last evaluated: 2022-07-05. Review status: criteria provided, single submitter. Criteria: Invitae Variant Classification Sherloc (09022015). Collection method: clinical testing. Allele origin: germline.
Comment: This sequence change affects an acceptor splice site in intron 31 of the NRAP gene. It is expected to disrupt RNA splicing. Variants that disrupt the donor or acceptor splice site typically lead to a loss of protein function (PMID: 16199547), and loss-of-function variants in NRAP are known to be pathogenic (PMID: 33534821). This variant is present in population databases (rs369763684, gnomAD 0.003%). This variant has not been reported in the literature in individuals affected with NRAP-related conditions. Algorithms developed to predict the effect of sequence changes on RNA splicing suggest that this variant may disrupt the consensus splice site. In summary, the currently available evidence indicates that the variant is pathogenic, but additional data are needed to prove that conclusively. Therefore, this variant has been classified as Likely Pathogenic.

Literature cited by the submitters: PubMed 16199547; PubMed 33534821.